The following is an entry in ClinVar:

NM_183050.4(BCKDHB):c.1039-9dup

Gene: BCKDHB (branched chain keto acid dehydrogenase E1 subunit beta; plus strand). Cytogenetic location: 6q14.1.
Variant type: Duplication.
Coding change: c.1039-9dup on transcript NM_183050.4 (MANE Select); 9 bases into the intron before coding-DNA position 1039, one base duplicated (T; older notation c.1039-9dupT).
Molecular consequence: intron variant.
Genome position (GRCh38, 1-based): chr6:80,343,655, T duplicated. VCF-style (leftmost placement, unchanged base first): chr6-80343654-C-CT. GRCh37 (hg19) VCF-style: chr6-81053371-C-CT.
Other names: c.829-9dup (NM_001318975.1); c.1039-9dup (NM_000056.5).
Identifiers: ClinVar variation 1461267 (VCV001461267.3), dbSNP rs2128020517, ClinGen allele CA913186114.

ClinVar aggregate classification (germline): Uncertain significance (1 of 4 stars; one submission).

Conditions:
Maple syrup urine disease (MSUD). Identifiers: Orphanet 511, MedGen C0024776, MeSH D008375, MONDO:0009563. Disease mechanism: loss of function.

Allele frequency attached by ClinVar (database versions not stated): gnomAD exomes 0.00001.

Submission:

Labcorp Genetics (formerly Invitae), Labcorp
Classification: Uncertain significance for Maple syrup urine disease. Last evaluated: 2021-07-31. Review status: criteria provided, single submitter. Criteria: Invitae Variant Classification Sherloc (09022015). Collection method: clinical testing. Allele origin: germline.
Comment: This sequence change falls in intron 9 of the BCKDHB gene. It does not directly change the encoded amino acid sequence of the BCKDHB protein. This variant is not present in population databases (ExAC no frequency). This variant has not been reported in the literature in individuals affected with BCKDHB-related conditions. Algorithms developed to predict the effect of sequence changes on RNA splicing suggest that this variant may disrupt the consensus splice site. In summary, the available evidence is currently insufficient to determine the role of this variant in disease. Therefore, it has been classified as a Variant of Uncertain Significance.